The following is an entry in ClinVar:

NM_000321.3(RB1):c.1147C>T (p.Gln383Ter)

Gene: RB1 (RB transcriptional corepressor 1; plus strand). Cytogenetic location: 13q14.2.
Variant type: single nucleotide variant.
Coding change: c.1147C>T on transcript NM_000321.3 (MANE Select); coding-DNA position 1147, C replaced by T.
Protein change: p.Gln383Ter; replaces glutamine 383 with a stop codon.
Molecular consequence: nonsense.
Genome position (GRCh38, 1-based): chr13:48,373,424, C>T. VCF-style: chr13-48373424-C-T. GRCh37 (hg19) VCF-style: chr13-48947560-C-T.
Other names: short protein forms Q383*.
Identifiers: ClinVar variation 428664 (VCV000428664.8), dbSNP rs1131690846, ClinGen allele CA388161469.

ClinVar aggregate classification (germline): Pathogenic. Review status: criteria provided, multiple submitters, no conflicts (2 of 4 stars). 3 submissions from 3 submitters: Pathogenic (3). Last evaluated 2024-10-23.

Conditions:
RB1-related disorder. Also called: RB1-related condition.
Hereditary cancer-predisposing syndrome. Also called: Hereditary Cancer Syndrome; Neoplastic Syndromes, Hereditary; Hereditary neoplastic syndrome; Tumor predisposition. Identifiers: Orphanet 140162, MedGen C0027672, MeSH D009386, MONDO:0015356.
Retinoblastoma (RB1). Also called: RETINOBLASTOMA, SOMATIC. Identifiers: Orphanet 790, MedGen C0035335, MeSH D012175, MONDO:0008380, OMIM 180200, HP:0009919. Disease mechanism: loss of function. Inheritance: Both sporadic and heritable forms are tested..

Submissions (3):

Labcorp Genetics (formerly Invitae), Labcorp
Classification: Pathogenic for Retinoblastoma. Last evaluated: 2024-10-23. Review status: criteria provided, single submitter. Criteria: Invitae Variant Classification Sherloc (09022015). Collection method: clinical testing. Allele origin: germline.
Comment: This sequence change creates a premature translational stop signal (p.Gln383*) in the RB1 gene. It is expected to result in an absent or disrupted protein product. Loss-of-function variants in RB1 are known to be pathogenic (PMID: 17096365). This variant is not present in population databases (gnomAD no frequency). This premature translational stop signal has been observed in individual(s) with retinoblastoma (PMID: 12541220). This variant is also known as E323X. ClinVar contains an entry for this variant (Variation ID: 428664). For these reasons, this variant has been classified as Pathogenic.

PreventionGenetics, part of Exact Sciences
Classification: Pathogenic for RB1-related condition. Last evaluated: 2022-12-21. Review status: criteria provided, single submitter. Criteria: ACMG Guidelines, 2015. Collection method: clinical testing. Allele origin: germline.
Comment: The RB1 c.1147C>T variant is predicted to result in premature protein termination (p.Gln383*). This variant has been reported in individuals with retinoblastoma (Table 1, Alonso et al. 2005. PubMed ID: 15605413; Table 3, Mosaic, Fang X et al 2021. PubMed ID: 34190019; Figure 1, Richter et al. 2003. PubMed ID: 12541220). It has also been reported as a somatic change in a retinoblastoma tumor specimen (Table 1, Kontic et al. 2006. PubMed ID: 16972022). This variant has not been reported in a large population database, indicating this variant is rare. It is interpreted as pathogenic in ClinVar. Nonsense variants in RB1 are expected to be pathogenic. This variant is interpreted as pathogenic.

Ambry Genetics
Classification: Pathogenic for Hereditary cancer-predisposing syndrome. Last evaluated: 2016-12-27. Review status: criteria provided, single submitter. Criteria: Ambry Variant Classification Scheme 2023. Collection method: clinical testing. Allele origin: germline.
Comment: The p.Q383* pathogenic mutation (also known as c.1147C>T), located in coding exon 12 of the RB1 gene, results from a C to T substitution at nucleotide position 1147. This changes the amino acid from a glutamine to a stop codon within coding exon 12. This alteration has been reported in multiple individuals with bilateral retinoblastoma (Alonso J et al. Hum. Mutat., 2005 Jan;25:99; Richter S et al. Am. J. Hum. Genet., 2003 Feb;72:253-69). In addition to the clinical data presented in the literature, this alteration is expected to result in loss of function by premature protein truncation or nonsense-mediated mRNA decay. As such, this alteration is interpreted as a disease-causing mutation.

Literature cited by the submitters: PubMed 17096365 (cited by Labcorp Genetics (formerly Invitae), Labcorp); PubMed 12541220 (cited by Labcorp Genetics (formerly Invitae), Labcorp and Ambry Genetics); PubMed 15605413 (cited by Ambry Genetics); PubMed 16972022 (cited by Ambry Genetics).